The following is an entry in ClinVar:

ClinVar aggregate classification (germline): Uncertain significance (1 of 4 stars; one submission).

Conditions:
Severe combined immunodeficiency due to DCLRE1C deficiency (RS-SCID). Also called: SCID, AUTOSOMAL RECESSIVE, T CELL-NEGATIVE, B CELL-NEGATIVE, NK CELL-POSITIVE, WITH SENSITIVITY TO IONIZING RADIATION. Identifiers: Orphanet 275, MedGen C1865371, MONDO:0011225, OMIM 602450.

gnomAD v4.1: 1 of 1,613,496 alleles (0.000062%); highest among the groups gnomAD compares: Non-Finnish European, 0.000085%; no homozygotes.

Submission:

Labcorp Genetics (formerly Invitae), Labcorp
Classification: Uncertain significance for Athabaskan severe combined immunodeficiency. Last evaluated: 2024-06-30. Review status: criteria provided, single submitter. Criteria: Invitae Variant Classification Sherloc (09022015). Collection method: clinical testing. Allele origin: germline.
Comment: This sequence change replaces glutamic acid, which is acidic and polar, with aspartic acid, which is acidic and polar, at codon 388 of the DCLRE1C protein (p.Glu388Asp). This variant is present in population databases (no rsID available, gnomAD 0.0009%). This variant has not been reported in the literature in individuals affected with DCLRE1C-related conditions. Algorithms developed to predict the effect of missense changes on protein structure and function output the following: SIFT: "Not Available"; PolyPhen-2: "Benign"; Align-GVGD: "Not Available". The aspartic acid amino acid residue is found in multiple mammalian species, which suggests that this missense change does not adversely affect protein function. In summary, the available evidence is currently insufficient to determine the role of this variant in disease. Therefore, it has been classified as a Variant of Uncertain Significance.

NM_001033855.3(DCLRE1C):c.1164A>C (p.Glu388Asp)

Gene: DCLRE1C (DNA cross-link repair 1C; minus strand). Cytogenetic location: 10p13.
Variant type: single nucleotide variant.
Coding change: c.1164A>C on transcript NM_001033855.3 (MANE Select); coding-DNA position 1164, A replaced by C.
Protein change: p.Glu388Asp; replaces glutamic acid 388 with aspartic acid.
Molecular consequence: missense variant. On other transcripts: non-coding transcript variant (4).
Genome position (GRCh38, 1-based): chr10:14,909,323, T>G on the plus strand (A>C on the coding strand, the complement: DCLRE1C is on the minus strand). VCF-style: chr10-14909323-T-G. GRCh37 (hg19) VCF-style: chr10-14951322-T-G.
Other names: c.804A>C, p.Glu268Asp (NM_001033857.3, NM_001033858.3, NM_001289077.2 and 2 more transcripts); c.819A>C, p.Glu273Asp (NM_001289076.2, NM_001289078.2, NM_001350966.2 and 1 more transcripts); c.1164A>C, p.Glu388Asp (NM_001350965.2); short protein forms E273D, E268D, E388D.
Identifiers: ClinVar variation 3658345 (VCV003658345.2).